The following is an entry in ClinVar:

NM_032608.7(MYO18B):c.2290G>A (p.Ala764Thr)

Gene: MYO18B (myosin XVIIIB; plus strand). Cytogenetic location: 22q12.1.
Variant type: single nucleotide variant.
Coding change: c.2290G>A on transcript NM_032608.7 (MANE Select); coding-DNA position 2290, G replaced by A.
Protein change: p.Ala764Thr; replaces alanine 764 with threonine.
Molecular consequence: missense variant.
Genome position (GRCh38, 1-based): chr22:25,781,812, G>A. VCF-style: chr22-25781812-G-A. GRCh37 (hg19) VCF-style: chr22-26177779-G-A.
Other names: c.2290G>A, p.Ala764Thr (NM_001318245.2); c.2290G>A (NM_032608.5); short protein forms A764T.
Identifiers: ClinVar variation 1440734 (VCV001440734.4), dbSNP rs762516694, ClinGen allele CA10160115.
Genomic context (GRCh38, chr22:25,781,812, plus strand): 5'-AGCCGCGTGGCACGGCAGCCGGAAGGGGAAAGTAACTTCCTGGTTTTCTCCCAGATGCTG[G>A]CTGGATTGGACTTGGATCTCAGGTGAGCACTTGGGGCAGGAAGAGACAGCTGAGGGCAGT-3'
Protein context (NP_115997.5, residues 754-774): SNFLVFSQML[Ala764Thr]GLDLDLRTEL

ClinVar aggregate classification (germline): Uncertain significance. Review status: criteria provided, multiple submitters, no conflicts (2 of 4 stars). 2 submissions from 2 submitters: Uncertain significance (2). Last evaluated 2025-06-07.

Conditions:
Inborn genetic diseases. Identifiers: MedGen C0950123, MeSH D030342.

Allele frequency attached by ClinVar (database versions not stated): ExAC 0.00018; TOPMed 0.00006; gnomAD exomes 0.00007.
gnomAD v4.1: 86 of 1,590,166 alleles (0.0054%); highest among the groups gnomAD compares: Non-Finnish European, 0.0055%; no homozygotes.

Submissions (2):

Ambry Genetics
Classification: Uncertain significance for Inborn genetic diseases. Last evaluated: 2025-06-07. Review status: criteria provided, single submitter. Criteria: Ambry Variant Classification Scheme 2023. Collection method: clinical testing. Allele origin: germline.

Labcorp Genetics (formerly Invitae), Labcorp
Classification: Uncertain significance. Last evaluated: 2021-09-26. Review status: criteria provided, single submitter. Criteria: Invitae Variant Classification Sherloc (09022015). Collection method: clinical testing. Allele origin: germline.
Comment: This sequence change replaces alanine with threonine at codon 764 of the MYO18B protein (p.Ala764Thr). The alanine residue is moderately conserved and there is a small physicochemical difference between alanine and threonine. This variant is present in population databases (rs762516694, ExAC 0.04%). This variant has not been reported in the literature in individuals affected with MYO18B-related conditions. Algorithms developed to predict the effect of missense changes on protein structure and function are either unavailable or do not agree on the potential impact of this missense change (SIFT: "Not Available"; PolyPhen-2: "Probably Damaging"; Align-GVGD: "Not Available"). In summary, the available evidence is currently insufficient to determine the role of this variant in disease. Therefore, it has been classified as a Variant of Uncertain Significance.